The following is an entry in ClinVar:

NM_016955.4(SEPSECS):c.*2840T>C

Gene: SEPSECS (Sep (O-phosphoserine) tRNA:Sec (selenocysteine) tRNA synthase; minus strand). Cytogenetic location: 4p15.2.
Variant type: single nucleotide variant.
Coding change: c.*2840T>C on transcript NM_016955.4 (MANE Select); 2840 bases downstream of the stop codon, T replaced by C.
Molecular consequence: 3 prime UTR variant.
Genome position (GRCh38, 1-based): chr4:25,121,091, A>G on the plus strand (T>C on the coding strand, the complement: SEPSECS is on the minus strand). VCF-style: chr4-25121091-A-G. GRCh37 (hg19) VCF-style: chr4-25122713-A-G.
Identifiers: ClinVar variation 348520 (VCV000348520.5), dbSNP rs144070806, ClinGen allele CA10618567.

ClinVar aggregate classification (germline): Benign (1 of 4 stars; one submission).

Conditions:
Pontocerebellar hypoplasia type 2D (PCH2D). Also called: Progressive cerebello-cerebral atrophy. Identifiers: Orphanet 247198, Orphanet 2524, MedGen C3151140, MONDO:0013438, OMIM 613811.

Allele frequency attached by ClinVar (database versions not stated): gnomAD 0.00488 and 0.00524; TOPMed 0.00534; 1000 Genomes Project 0.00559; 1000 Genomes Project 30x 0.00609.
gnomAD v4.1: 736 of 152,252 alleles (0.48%); highest among the groups gnomAD compares: African/African-American, 1.7%; 4 homozygotes.

Submission:

Illumina Laboratory Services, Illumina
Classification: Benign for Pontocerebellar hypoplasia type 2D. Last evaluated: 2018-01-12. Review status: criteria provided, single submitter. Criteria: ICSL Variant Classification Criteria 13 December 2019. Collection method: clinical testing. Allele origin: germline.
Comment: This variant was observed in the ICSL laboratory as part of a predisposition screen in an ostensibly healthy population. It had not been previously curated by ICSL or reported in the Human Gene Mutation Database (HGMD: prior to June 1st, 2018), and was therefore a candidate for classification through an automated scoring system. Utilizing variant allele frequency, disease prevalence and penetrance estimates, and inheritance mode, an automated score was calculated to assess if this variant is too frequent to cause the disease. Based on the score and internal cut-off values, a variant classified as benign is not then subjected to further curation. The score for this variant resulted in a classification of benign for this disease.